The following is an entry in ClinVar:

ClinVar aggregate classification (germline): Uncertain significance. Review status: criteria provided, multiple submitters, no conflicts (2 of 4 stars). 2 submissions from 2 submitters: Uncertain significance (2). Last evaluated 2025-08-12.

Conditions:
HPS4-related disorder. Also called: HPS4-related condition.

Allele frequency attached by ClinVar (database versions not stated): TOPMed 0.00002; gnomAD 0.00003.
gnomAD v4.1: 136 of 1,612,718 alleles (0.0084%); highest among the groups gnomAD compares: Non-Finnish European, 0.011%; no homozygotes.

Submissions (2):

PreventionGenetics, part of Exact Sciences
Classification: Uncertain significance for HPS4-related condition. Last evaluated: 2025-08-12. Review status: criteria provided, single submitter. Criteria: ACMG Guidelines, 2015. Collection method: clinical testing. Allele origin: germline.
Comment: The HPS4 c.1696G>A variant is predicted to result in the amino acid substitution p.Ala566Thr. To our knowledge, this variant has not been reported in the literature. This variant is reported in 0.0063% of alleles in individuals of European (Non-Finnish) descent in gnomAD. At this time, the clinical significance of this variant is uncertain due to the absence of conclusive functional and genetic evidence.

Labcorp Genetics (formerly Invitae), Labcorp
Classification: Uncertain significance. Last evaluated: 2022-02-27. Review status: criteria provided, single submitter. Criteria: Invitae Variant Classification Sherloc (09022015). Collection method: clinical testing. Allele origin: germline.
Comment: This sequence change replaces alanine, which is neutral and non-polar, with threonine, which is neutral and polar, at codon 566 of the HPS4 protein (p.Ala566Thr). This variant is present in population databases (rs774331295, gnomAD 0.006%). This variant has not been reported in the literature in individuals affected with HPS4-related conditions. Algorithms developed to predict the effect of missense changes on protein structure and function (SIFT, PolyPhen-2, Align-GVGD) all suggest that this variant is likely to be tolerated. In summary, the available evidence is currently insufficient to determine the role of this variant in disease. Therefore, it has been classified as a Variant of Uncertain Significance.

NM_022081.6(HPS4):c.1696G>A (p.Ala566Thr)

Gene: HPS4 (HPS4 biogenesis of lysosomal organelles complex 3 subunit 2; minus strand). Cytogenetic location: 22q12.1.
Variant type: single nucleotide variant.
Coding change: c.1696G>A on transcript NM_022081.6 (MANE Select); coding-DNA position 1696, G replaced by A.
Protein change: p.Ala566Thr; replaces alanine 566 with threonine.
Molecular consequence: missense variant. On other transcripts: non-coding transcript variant (8).
Genome position (GRCh38, 1-based): chr22:26,463,934, C>T on the plus strand (G>A on the coding strand, the complement: HPS4 is on the minus strand). VCF-style: chr22-26463934-C-T. GRCh37 (hg19) VCF-style: chr22-26859900-C-T.
Other names: c.1696G>A, p.Ala566Thr (NM_001349896.1, NM_001349898.2, NM_001349899.2 and 5 more transcripts); c.1681G>A, p.Ala561Thr (NM_152841.2); c.1750G>A, p.Ala584Thr (NM_001349900.2, NM_001349901.1); short protein forms A566T, A584T, A561T.
Identifiers: ClinVar variation 2054641 (VCV002054641.2), dbSNP rs774331295, ClinGen allele CA10163262.